The following is an entry in ClinVar:

ClinVar aggregate classification (germline): Uncertain significance (1 of 4 stars; one submission).

Conditions:
Neuropathy, hereditary sensory and autonomic, type 2A (HSAN2A). Also called: ACROOSTEOLYSIS, GIACCAI TYPE; ACROOSTEOLYSIS, NEUROGENIC; MORVAN DISEASE; NEUROPATHY, CONGENITAL SENSORY; NEUROPATHY, HEREDITARY SENSORY RADICULAR, AUTOSOMAL RECESSIVE; NEUROPATHY, HEREDITARY SENSORY, TYPE IIA. Identifiers: Orphanet 970, MedGen C2752089, MONDO:0024309, OMIM 201300.
Generalized epilepsy with febrile seizures plus, type 7 (GEFSP7). Also called: GEFS+, TYPE 7. Identifiers: Orphanet 36387, MedGen C2751778, MONDO:0013470, OMIM 613863.

Submission:

Labcorp Genetics (formerly Invitae), Labcorp
Classification: Uncertain significance for Neuropathy, hereditary sensory and autonomic, type 2A; Generalized epilepsy with febrile seizures plus, type 7. Last evaluated: 2023-10-04. Review status: criteria provided, single submitter. Criteria: Invitae Variant Classification Sherloc (09022015). Collection method: clinical testing. Allele origin: germline.
Comment: This sequence change replaces tyrosine, which is neutral and polar, with aspartic acid, which is acidic and polar, at codon 1416 of the SCN9A protein (p.Tyr1416Asp). This variant is not present in population databases (gnomAD no frequency). This variant has not been reported in the literature in individuals affected with SCN9A-related conditions. Advanced modeling of protein sequence and biophysical properties (such as structural, functional, and spatial information, amino acid conservation, physicochemical variation, residue mobility, and thermodynamic stability) performed at Invitae indicates that this missense variant is not expected to disrupt SCN9A protein function. In summary, the available evidence is currently insufficient to determine the role of this variant in disease. Therefore, it has been classified as a Variant of Uncertain Significance.

NM_001365536.1(SCN9A):c.4279T>G (p.Tyr1427Asp)

Genes: SCN9A (sodium voltage-gated channel alpha subunit 9; minus strand), SCN1A-AS1 (SCN1A and SCN9A antisense RNA 1; plus strand). Cytogenetic location: 2q24.3.
Variant type: single nucleotide variant.
Coding change: c.4279T>G on transcript NM_001365536.1 (MANE Select); coding-DNA position 4279, T replaced by G.
Protein change: p.Tyr1427Asp; replaces tyrosine 1427 with aspartic acid.
Molecular consequence: missense variant.
Genome position (GRCh38, 1-based): chr2:166,226,686, A>C on the plus strand (T>G on the coding strand, the complement: SCN9A is on the minus strand). VCF-style: chr2-166226686-A-C. GRCh37 (hg19) VCF-style: chr2-167083196-A-C.
Other names: c.4246T>G, p.Tyr1416Asp (NM_002977.4); short protein forms Y1416D, Y1427D.
Identifiers: ClinVar variation 2949422 (VCV002949422.3), dbSNP rs1317444004, ClinGen allele CA349062092.